The following is an entry in ClinVar:

NM_005188.4(CBL):c.1527_1528delinsCT (p.Pro510Ser)

Gene: CBL (Cbl proto-oncogene; plus strand). Cytogenetic location: 11q23.3.
Variant type: Indel.
Coding change: c.1527_1528delinsCT on transcript NM_005188.4 (MANE Select); coding-DNA positions 1527 to 1528, TC replaced by CT.
Protein change: p.Pro510Ser; replaces proline 510 with serine.
Molecular consequence: missense variant.
Genome position (GRCh38, 1-based): chr11:119,285,064-119,285,065, TC replaced by CT. VCF-style: chr11-119285064-TC-CT. GRCh37 (hg19) VCF-style: chr11-119155774-TC-CT.
Other names: short protein forms P510S.
Identifiers: ClinVar variation 2990422 (VCV002990422.3), dbSNP rs2496951660, ClinGen allele CA2740093233.

ClinVar aggregate classification (germline): Uncertain significance (1 of 4 stars; one submission).

Conditions:
RASopathy. Also called: Noonan spectrum disorder; rasopathies. Identifiers: Orphanet 536391, MedGen C5555857, MONDO:0021060.

Submission:

Labcorp Genetics (formerly Invitae), Labcorp
Classification: Uncertain significance for RASopathy. Last evaluated: 2023-11-19. Review status: criteria provided, single submitter. Criteria: Invitae Variant Classification Sherloc (09022015). Collection method: clinical testing. Allele origin: germline.
Comment: This sequence change replaces proline, which is neutral and non-polar, with serine, which is neutral and polar, at codon 510 of the CBL protein (p.Pro510Ser). Information on the frequency of this variant in the gnomAD database is not available, as this variant may be reported differently in the database. This variant has not been reported in the literature in individuals affected with CBL-related conditions. Experimental studies and prediction algorithms are not available or were not evaluated, and the functional significance of this variant is currently unknown. In summary, the available evidence is currently insufficient to determine the role of this variant in disease. Therefore, it has been classified as a Variant of Uncertain Significance.